The following is an entry in ClinVar:

NM_004656.4(BAP1):c.509_510del (p.Phe170fs)

Gene: BAP1 (BRCA1 associated deubiquitinase 1; minus strand). Cytogenetic location: 3p21.1.
Variant type: Deletion.
Coding change: c.509_510del on transcript NM_004656.4 (MANE Select); coding-DNA positions 509 to 510, 2 bases deleted (TT; older notation c.509_510delTT).
Protein change: p.Phe170fs; shifts the reading frame from phenylalanine 170.
Molecular consequence: frameshift variant.
Genome position (GRCh38, 1-based): chr3:52,407,244-52,407,245, AA deleted on the plus strand (TT on the coding strand, the reverse complement: BAP1 is on the minus strand); deleting any 2 consecutive bases within chr3:52,407,244-52,407,246 gives the same sequence; the c. name uses the placement nearest the transcript's 3' end. VCF-style (leftmost placement, unchanged base first): chr3-52407243-CAA-C. GRCh37 (hg19) VCF-style: chr3-52441259-CAA-C.
Other names: c.509_510delTT (NM_004656.4); c.509_510del, p.Phe170fs (NM_001410772.1); short protein forms F170fs.
Identifiers: ClinVar variation 4539422 (VCV004539422.1).

ClinVar aggregate classification (germline): Likely pathogenic (1 of 4 stars; one submission).

Submission:

Center for Genomic Medicine, Rigshospitalet, Copenhagen University Hospital
Classification: Likely pathogenic. Last evaluated: 2025-12-29. Review status: criteria provided, single submitter. Criteria: ACMG Guidelines, 2015. Collection method: clinical testing. Allele origin: germline.
Comment: Classification criteria: PM2_supporting, PVS1